The following is an entry in ClinVar:

NM_004006.3(DMD):c.8938-3C>T

Gene: DMD (dystrophin; minus strand). Cytogenetic location: Xp21.2.
Variant type: single nucleotide variant.
Coding change: c.8938-3C>T on transcript NM_004006.3 (MANE Select); 3 bases into the intron before coding-DNA position 8938, C replaced by T.
Molecular consequence: intron variant.
Genome position (GRCh38, 1-based): chrX:31,444,630, G>A on the plus strand (C>T on the coding strand, the complement: DMD is on the minus strand). VCF-style: chrX-31444630-G-A. GRCh37 (hg19) VCF-style: chrX-31462747-G-A.
Other names: c.8914-3C>T (NM_000109.4); c.4915-3C>T (NM_004011.4); c.4906-3C>T (NM_004012.4); c.1558-3C>T (NM_004023.3, NM_004020.4, NM_004022.3 and 2 more transcripts); c.751-3C>T (NM_004014.3); c.8926-3C>T (NM_004009.3); c.8569-3C>T (NM_004010.3).
Identifiers: ClinVar variation 3663508 (VCV003663508.2).

ClinVar aggregate classification (germline): Uncertain significance (1 of 4 stars; one submission).

Conditions:
Duchenne muscular dystrophy (DMD). Also called: MUSCULAR DYSTROPHY, PSEUDOHYPERTROPHIC PROGRESSIVE, DUCHENNE TYPE; Duchenne Muscular Dystrophy (DMD). Identifiers: Orphanet 98896, MedGen C0013264, MONDO:0010679, OMIM 310200.

Submission:

Labcorp Genetics (formerly Invitae), Labcorp
Classification: Uncertain significance for Duchenne muscular dystrophy. Last evaluated: 2024-08-27. Review status: criteria provided, single submitter. Criteria: Invitae Variant Classification Sherloc (09022015). Collection method: clinical testing. Allele origin: germline.
Comment: This sequence change falls in intron 59 of the DMD gene. It does not directly change the encoded amino acid sequence of the DMD protein. It affects a nucleotide within the consensus splice site. This variant is not present in population databases (gnomAD no frequency). This variant has not been reported in the literature in individuals affected with DMD-related conditions. Variants that disrupt the consensus splice site are a relatively common cause of aberrant splicing (PMID: 17576681, 9536098). Algorithms developed to predict the effect of sequence changes on RNA splicing suggest that this variant is not likely to affect RNA splicing. In summary, the available evidence is currently insufficient to determine the role of this variant in disease. Therefore, it has been classified as a Variant of Uncertain Significance.

Literature cited by the submitters: PubMed 17576681; PubMed 9536098.